The following is an entry in ClinVar:

ClinVar aggregate classification (germline): Uncertain significance (1 of 4 stars; one submission).

Conditions:
Wilson disease (WND). Also called: Wilson's disease. Identifiers: Orphanet 905, MedGen C0019202, MONDO:0010200, OMIM 277900. Disease mechanism: loss of function.

gnomAD v4.1: 1 of 1,614,230 alleles (0.000062%); highest among the groups gnomAD compares: Non-Finnish European, 0.000085%; no homozygotes.

Submission:

Dr. Moinak Lab, Sanjay Gandhi Postgraduate Institute of Medical Sciences
Classification: Uncertain significance for Wilson disease. Last evaluated: 2024-09-20. Review status: criteria provided, single submitter. Criteria: ACMG Guidelines, 2015. Collection method: clinical testing. Allele origin: germline. Inheritance: Autosomal recessive inheritance. Affected: yes. Observed: 2 heterozygotes, 2 compound heterozygotes.
Comment: ATP7B:c.3601G>A is a novel variant involving a single nucleotide change from G to A in exon 17 of the ATP7B gene. This results in a non-synonymous substitution, leading to a change in the amino acid from Glutamic acid (Glu) to Lysine (Lys) at codon 1201 (p.Glu1201Lys).

Literature cited by the submitters: PubMed 36096368; PubMed 9654149; PubMed 22240481; PubMed 20301685.

NM_000053.4(ATP7B):c.3601G>A (p.Glu1201Lys)

Gene: ATP7B (ATPase copper transporting beta; minus strand). Cytogenetic location: 13q14.3.
Variant type: single nucleotide variant.
Coding change: c.3601G>A on transcript NM_000053.4 (MANE Select); coding-DNA position 3601, G replaced by A.
Protein change: p.Glu1201Lys; replaces glutamic acid 1201 with lysine.
Molecular consequence: missense variant.
Genome position (GRCh38, 1-based): chr13:51,939,149, C>T on the plus strand (G>A on the coding strand, the complement: ATP7B is on the minus strand). VCF-style: chr13-51939149-C-T. GRCh37 (hg19) VCF-style: chr13-52513285-C-T.
Other names: c.3424G>A, p.Glu1142Lys (NM_001406524.1); c.3406G>A, p.Glu1136Lys (NM_001406525.1); c.3601G>A, p.Glu1201Lys (NM_001406526.1, NM_001406511.1, NM_001406512.1); c.3367G>A, p.Glu1123Lys (NM_001406527.1, NM_001406528.1, NM_001330578.2); c.3361G>A, p.Glu1121Lys (NM_001406530.1); c.3349G>A, p.Glu1117Lys (NM_001406531.1, NM_001406532.1, NM_001330579.2); c.3313G>A, p.Glu1105Lys (NM_001406534.1); c.3271G>A, p.Glu1091Lys (NM_001406535.1, NM_001406536.1); and 20 more; short protein forms E1007K, E1037K, E1039K, E1052K, E1058K, E1075K, E1088K, E1090K.
Identifiers: ClinVar variation 3893205 (VCV003893205.1).